The following is an entry in ClinVar:

NM_001039348.3(EFEMP1):c.644T>C (p.Ile215Thr)

Gene: EFEMP1 (EGF-like fibulin extracellular matrix protein 1; minus strand). Cytogenetic location: 2p16.1.
Variant type: single nucleotide variant.
Coding change: c.644T>C on transcript NM_001039348.3 (MANE Select); coding-DNA position 644, T replaced by C.
Protein change: p.Ile215Thr; replaces isoleucine 215 with threonine.
Molecular consequence: missense variant.
Genome position (GRCh38, 1-based): chr2:55,877,862, A>G on the plus strand (T>C on the coding strand, the complement: EFEMP1 is on the minus strand). VCF-style: chr2-55877862-A-G. GRCh37 (hg19) VCF-style: chr2-56104997-A-G.
Other names: c.644T>C, p.Ile215Thr (NM_001039349.3); short protein forms I215T.
Identifiers: ClinVar variation 4701487 (VCV004701487.1).

ClinVar aggregate classification (germline): Uncertain significance (1 of 4 stars; one submission).

gnomAD v4.1: 6 of 1,612,856 alleles (0.00037%); highest among the groups gnomAD compares: African/African-American, 0.004%; no homozygotes.

Submission:

Labcorp Genetics (formerly Invitae), Labcorp
Classification: Uncertain significance. Last evaluated: 2025-09-09. Review status: criteria provided, single submitter. Criteria: Invitae Variant Classification Sherloc (09022015). Collection method: clinical testing. Allele origin: germline.
Comment: This sequence change replaces isoleucine, which is neutral and non-polar, with threonine, which is neutral and polar, at codon 215 of the EFEMP1 protein (p.Ile215Thr). This variant is not present in population databases (gnomAD no frequency). This variant has not been reported in the literature in individuals affected with EFEMP1-related conditions. Invitae Evidence Modeling of protein sequence and biophysical properties (such as structural, functional, and spatial information, amino acid conservation, physicochemical variation, residue mobility, and thermodynamic stability) indicates that this missense variant is not expected to disrupt EFEMP1 protein function with a negative predictive value of 80%. In summary, the available evidence is currently insufficient to determine the role of this variant in disease. Therefore, it has been classified as a Variant of Uncertain Significance.